The following is an entry in ClinVar:

ClinVar aggregate classification (germline): Benign/Likely benign. Review status: criteria provided, multiple submitters, no conflicts (2 of 4 stars). 10 submissions from 9 submitters: Benign (5); Likely benign (5). Last evaluated 2026-01-14.

Conditions:
Amyotrophic lateral sclerosis type 4 (ALS4). Also called: NEURONOPATHY, DISTAL HEREDITARY MOTOR, WITH PYRAMIDAL FEATURES; AMYOTROPHIC LATERAL SCLEROSIS 4, JUVENILE. Identifiers: Orphanet 357043, MedGen C1865409, MONDO:0011223, OMIM 602433.
Spinocerebellar ataxia, autosomal recessive, with axonal neuropathy 2 (SCAN2). Also called: Ataxia-ocular apraxia-2; Ataxia with Oculomotor Apraxia; Ataxia with Oculomotor Apraxia Type 2; ATAXIA-OCULOMOTOR APRAXIA 2. Identifiers: Orphanet 64753, MedGen C1853761, MONDO:0018996, OMIM 606002.
Hereditary spastic paraplegia. Also called: Familial spastic paraparesis. Identifiers: Orphanet 685, MedGen C0037773, MONDO:0019064. Disease mechanism: loss of function.

Allele frequency attached by ClinVar (database versions not stated): gnomAD exomes 0.00044 and 0.00102; ExAC 0.00118; 1000 Genomes Project 30x 0.00437; 1000 Genomes Project 0.00439; gnomAD 0.00449 and 0.00493; ESP Exome Variant Server 0.00515; TOPMed 0.00539.
gnomAD v4.1: 1,351 of 1,614,034 alleles (0.084%); highest among the groups gnomAD compares: African/African-American, 1.6%; 9 homozygotes.

Submissions (10):

Labcorp Genetics (formerly Invitae), Labcorp
Classification: Benign for Amyotrophic lateral sclerosis type 4; Spinocerebellar ataxia, autosomal recessive, with axonal neuropathy 2. Last evaluated: 2026-01-14. Review status: criteria provided, single submitter. Criteria: Invitae Variant Classification Sherloc (09022015). Collection method: clinical testing. Allele origin: germline.

Blueprint Genetics
Classification: Likely benign. Last evaluated: 2024-07-18. Review status: criteria provided, single submitter. Criteria: ACMG Guidelines, 2015. Collection method: clinical testing. Allele origin: germline.

Mayo Clinic Laboratories, Mayo Clinic
Classification: Benign. Last evaluated: 2024-04-03. Review status: criteria provided, single submitter. Criteria: ACMG Guidelines, 2015. Collection method: clinical testing. Allele origin: germline. Observed: 9 variant alleles.
Comment: BS1, BS2

CeGaT Center for Human Genetics Tuebingen
Classification: Benign. Last evaluated: 2023-11-01. Review status: criteria provided, single submitter. Criteria: CeGaT Center For Human Genetics Tuebingen Variant Classification Criteria Version 2. Collection method: clinical testing. Allele origin: germline. Affected: yes. Observed: 2 variant alleles.
Comment: SETX: BP4, BS1, BS2

Genome-Nilou Lab
Classification: Likely benign for Spinocerebellar ataxia, autosomal recessive, with axonal neuropathy 2. Last evaluated: 2023-02-08. Review status: criteria provided, single submitter. Criteria: ACMG Guidelines, 2015. Collection method: clinical testing. Allele origin: germline.

Genome-Nilou Lab
Classification: Likely benign for Amyotrophic lateral sclerosis type 4. Last evaluated: 2023-02-08. Review status: criteria provided, single submitter. Criteria: ACMG Guidelines, 2015. Collection method: clinical testing. Allele origin: germline.

GeneDx
Classification: Benign. Last evaluated: 2020-07-24. Review status: criteria provided, single submitter. Criteria: GeneDx Variant Classification Process June 2021. Collection method: clinical testing. Allele origin: germline. Affected: yes.
Comment: This variant is associated with the following publications: (PMID: 22995991, 25133958, 20981092, 23129421, 17096168)

Athena Diagnostics
Classification: Benign. Last evaluated: 2018-11-14. Review status: criteria provided, single submitter. Criteria: Athena Diagnostics Criteria. Collection method: clinical testing. Allele origin: germline.

Genome Diagnostics Laboratory, The Hospital for Sick Children
Classification: Likely benign for Hereditary spastic paraplegia. Last evaluated: 2016-12-12. Review status: criteria provided, single submitter. Criteria: ACMG Guidelines, 2015. Collection method: clinical testing. Allele origin: germline. Affected: yes.

Breakthrough Genomics
Classification: Likely benign. Review status: criteria provided, single submitter. Criteria: ACMG Guidelines, 2015. Collection method: not provided. Allele origin: germline. Inheritance: Autosomal recessive inheritance. Affected: yes.

Literature cited by the submitters: PubMed 20981092 (cited by Athena Diagnostics); PubMed 22995991 (cited by Athena Diagnostics); PubMed 17096168 (cited by Athena Diagnostics).

NM_015046.7(SETX):c.1807A>G (p.Asn603Asp)

Gene: SETX (senataxin; minus strand). Cytogenetic location: 9q34.13.
Variant type: single nucleotide variant.
Coding change: c.1807A>G on transcript NM_015046.7 (MANE Select); coding-DNA position 1807, A replaced by G.
Protein change: p.Asn603Asp; replaces asparagine 603 with aspartic acid.
Molecular consequence: missense variant.
Genome position (GRCh38, 1-based): chr9:132,329,791, T>C on the plus strand (A>G on the coding strand, the complement: SETX is on the minus strand). VCF-style: chr9-132329791-T-C. GRCh37 (hg19) VCF-style: chr9-135205178-T-C.
Other names: c.1807A>G, p.Asn603Asp (NM_001351527.2, NM_001351528.2); short protein forms N603D.
Identifiers: ClinVar variation 446186 (VCV000446186.49), dbSNP rs116205032, ClinGen allele CA026956.
Genomic context (GRCh38, chr9:132,329,791, plus strand): 5'-CTTCTTTATTATAAGATGCAGGAGAGATTTTACATGCAGAAGTCAGATCCACAAAAGTGT[T>C]ACATGGAGGTGCTTTGAATTTTATGTTTCTAATAATTTGCTTTAAGCAACTTTGTAGCTC-3'
Protein context (NP_055861.3, residues 593-613): RNIKFKAPPC[Asn603Asp]TFVDLTSACK